The following is an entry in ClinVar:

ClinVar aggregate classification (germline): Conflicting classifications of pathogenicity. Review status: criteria provided, conflicting classifications (1 of 4 stars). 4 submissions from 4 submitters: Uncertain significance (2); Likely benign (2). Last evaluated 2026-01-20.

Allele frequency attached by ClinVar (database versions not stated): gnomAD exomes 0.00027; ExAC 0.00031; 1000 Genomes Project 30x 0.00047; 1000 Genomes Project 0.00060; TOPMed 0.00088; gnomAD 0.00108; ESP Exome Variant Server 0.00123.

Submissions (4):

Labcorp Genetics (formerly Invitae), Labcorp
Classification: Likely benign. Last evaluated: 2026-01-20. Review status: criteria provided, single submitter. Criteria: Invitae Variant Classification Sherloc (09022015). Collection method: clinical testing. Allele origin: germline.

Blueprint Genetics
Classification: Likely benign. Last evaluated: 2024-04-24. Review status: criteria provided, single submitter. Criteria: ACMG Guidelines, 2015. Collection method: clinical testing. Allele origin: germline.

GeneDx
Classification: Uncertain significance. Last evaluated: 2022-04-29. Review status: criteria provided, single submitter. Criteria: GeneDx Variant Classification Process June 2021. Collection method: clinical testing. Allele origin: germline. Affected: yes.
Comment: In silico analysis supports that this missense variant does not alter protein structure/function; Has not been previously published as pathogenic or benign to our knowledge; This variant is associated with the following publications: (PMID: 23862152)

CeGaT Center for Human Genetics Tuebingen
Classification: Uncertain significance. Last evaluated: 2018-07-01. Review status: criteria provided, single submitter. Criteria: CeGaT Center For Human Genetics Tuebingen Variant Classification Criteria Version 2. Collection method: clinical testing. Allele origin: germline. Affected: yes. Observed: 1 variant allele.

NM_000550.3(TYRP1):c.1554G>C (p.Gln518His)

Genes: LURAP1L-AS1 (LURAP1L antisense RNA 1; minus strand), TYRP1 (tyrosinase related protein 1; plus strand). Cytogenetic location: 9p23.
Variant type: single nucleotide variant.
Coding change: c.1554G>C on transcript NM_000550.3 (MANE Select); coding-DNA position 1554, G replaced by C.
Protein change: p.Gln518His; replaces glutamine 518 with histidine.
Molecular consequence: missense variant.
Genome position (GRCh38, 1-based): chr9:12,709,122, G>C. VCF-style: chr9-12709122-G-C. GRCh37 (hg19) VCF-style: chr9-12709122-G-C.
Other names: short protein forms Q518H.
Identifiers: ClinVar variation 624356 (VCV000624356.54), dbSNP rs41305647, ClinGen allele CA4985621.